The following is an entry in ClinVar:

ClinVar aggregate classification (germline): Uncertain significance (1 of 4 stars; one submission).

Conditions:
Amyotrophic lateral sclerosis type 1 (ALS1). Also called: AMYOTROPHIC LATERAL SCLEROSIS 1, FAMILIAL. Identifiers: Orphanet 803, MedGen C1862939, MONDO:0007103, OMIM 105400.
Perry syndrome. Also called: PARKINSONISM WITH ALVEOLAR HYPOVENTILATION AND MENTAL DEPRESSION. Identifiers: Orphanet 178509, MedGen C1868594, MONDO:0008201, OMIM 168605.
Neuronopathy, distal hereditary motor, type 7B. Also called: Distal Hereditary Motor Neuronopathy Type 7B (dHMN7B); HMN VIIB; LOWER MOTOR NEURON DISEASE, DYNACTIN TYPE; NEURONOPATHY, DISTAL HEREDITARY MOTOR, AUTOSOMAL DOMINANT 14; NEURONOPATHY, DISTAL HEREDITARY MOTOR, HARDING TYPE VIIB; NEUROPATHY, DISTAL HEREDITARY MOTOR, HARDING TYPE VIIB. Identifiers: Orphanet 139589, MedGen C1843315, MONDO:0011879, OMIM 607641.

Allele frequency attached by ClinVar (database versions not stated): gnomAD exomes below 0.00001.
gnomAD v4.1: 6 of 1,613,564 alleles (0.00037%); highest among the groups gnomAD compares: South Asian, 0.0066%; no homozygotes.

Submission:

Labcorp Genetics (formerly Invitae), Labcorp
Classification: Uncertain significance for Amyotrophic lateral sclerosis type 1; Neuronopathy, distal hereditary motor, type 7B; Perry syndrome. Last evaluated: 2025-11-03. Review status: criteria provided, single submitter. Criteria: Invitae Variant Classification Sherloc (09022015). Collection method: clinical testing. Allele origin: germline.
Comment: This sequence change replaces threonine, which is neutral and polar, with isoleucine, which is neutral and non-polar, at codon 125 of the DCTN1 protein (p.Thr125Ile). This variant is present in population databases (no rsID available, gnomAD 0.003%). This variant has not been reported in the literature in individuals affected with DCTN1-related conditions. ClinVar contains an entry for this variant (Variation ID: 1509606). Invitae Evidence Modeling of protein sequence and biophysical properties (such as structural, functional, and spatial information, amino acid conservation, physicochemical variation, residue mobility, and thermodynamic stability) indicates that this missense variant is not expected to disrupt DCTN1 protein function with a negative predictive value of 95%. In summary, the available evidence is currently insufficient to determine the role of this variant in disease. Therefore, it has been classified as a Variant of Uncertain Significance.

NM_004082.5(DCTN1):c.374C>T (p.Thr125Ile)

Gene: DCTN1 (dynactin subunit 1; minus strand). Cytogenetic location: 2p13.1.
Variant type: single nucleotide variant.
Coding change: c.374C>T on transcript NM_004082.5 (MANE Select); coding-DNA position 374, C replaced by T.
Protein change: p.Thr125Ile; replaces threonine 125 with isoleucine.
Molecular consequence: missense variant. On other transcripts: non-coding transcript variant (1).
Genome position (GRCh38, 1-based): chr2:74,377,451, G>A on the plus strand (C>T on the coding strand, the complement: DCTN1 is on the minus strand). VCF-style: chr2-74377451-G-A. GRCh37 (hg19) VCF-style: chr2-74604578-G-A.
Other names: c.374C>T, p.Thr125Ile (NM_001135040.3, NM_001190837.2); c.323C>T, p.Thr108Ile (NM_001190836.2, NM_001378991.1, NM_001378992.1); short protein forms T108I, T125I.
Identifiers: ClinVar variation 1509606 (VCV001509606.6), dbSNP rs1275593815, ClinGen allele CA347320661.